The following is an entry in ClinVar:

ClinVar aggregate classification (germline): Uncertain significance (1 of 4 stars; one submission).

Conditions:
Retinoblastoma (RB1). Also called: RETINOBLASTOMA, SOMATIC. Identifiers: Orphanet 790, MedGen C0035335, MeSH D012175, MONDO:0008380, OMIM 180200, HP:0009919. Disease mechanism: loss of function. Inheritance: Both sporadic and heritable forms are tested..

Submission:

Labcorp Genetics (formerly Invitae), Labcorp
Classification: Uncertain significance for Retinoblastoma. Last evaluated: 2020-02-10. Review status: criteria provided, single submitter. Criteria: Invitae Variant Classification Sherloc (09022015). Collection method: clinical testing. Allele origin: germline.
Comment: In summary, the available evidence is currently insufficient to determine the role of this variant in disease. Therefore, it has been classified as a Variant of Uncertain Significance. Experimental studies and prediction algorithms are not available or were not evaluated, and the functional significance of this variant is currently unknown. This variant has not been reported in the literature in individuals with RB1-related conditions. This variant results in a copy number gain of the genomic region encompassing exons 18-24 of the RB1 gene. While the exact position of this variant cannot be determined from this data, sub-genic copy number gains are generally in tandem (PMID: 25640679). This variant would be expected to be in-frame, preserving the integrity of the reading frame.

Literature cited by the submitters: PubMed 25640679.

NC_000013.10:g.(?_49027115)_(49047536_?)dup

Gene: RB1 (RB transcriptional corepressor 1; plus strand). Cytogenetic location: 13q14.2.
Variant type: Duplication.
Identifiers: ClinVar variation 1064007 (VCV001064007.5).